The following is an entry in ClinVar:

ClinVar aggregate classification (germline): Likely benign. Review status: criteria provided, multiple submitters, no conflicts (2 of 4 stars). 2 submissions from 2 submitters: Likely benign (2). Last evaluated 2025-06-30.

Conditions:
ALG9-related disorder. Also called: ALG9-related condition.
ALG9 congenital disorder of glycosylation (CDG1L). Also called: CONGENITAL DISORDER OF GLYCOSYLATION, TYPE Il; ALG9-CDG; CDG Il. Identifiers: Orphanet 79328, MedGen C2931006, MONDO:0012117, OMIM 608776.

Allele frequency attached by ClinVar (database versions not stated): gnomAD exomes 0.00001; TOPMed 0.00001.
gnomAD v4.1: 4 of 1,536,688 alleles (0.00026%); highest among the groups gnomAD compares: Admixed American, 0.0078%; no homozygotes.

Submissions (2):

Labcorp Genetics (formerly Invitae), Labcorp
Classification: Likely benign for ALG9 congenital disorder of glycosylation. Last evaluated: 2025-06-30. Review status: criteria provided, single submitter. Criteria: Invitae Variant Classification Sherloc (09022015). Collection method: clinical testing. Allele origin: germline.

PreventionGenetics, part of Exact Sciences
Classification: Likely benign for ALG9-related condition. Last evaluated: 2024-12-04. Review status: criteria provided, single submitter. Criteria: ACMG Guidelines, 2015. Collection method: clinical testing. Allele origin: germline.
Comment: This variant is classified as likely benign based on ACMG/AMP sequence variant interpretation guidelines (Richards et al. 2015 PMID: 25741868, with internal and published modifications).

NM_024740.2(ALG9):c.27C>T (p.Arg9=)

Genes: ALG9 (ALG9 alpha-1,2-mannosyltransferase; minus strand), LOC130006752 (ATAC-STARR-seq lymphoblastoid silent region 3902; plus strand). Cytogenetic location: 11q23.1.
Variant type: single nucleotide variant.
Coding change: c.27C>T on transcript NM_024740.2 (MANE Select); coding-DNA position 27, C replaced by T.
Protein change: p.Arg9=; no amino-acid change (arginine 9 retained).
Molecular consequence: synonymous variant. On other transcripts: 5 prime UTR variant (3).
Genome position (GRCh38, 1-based): chr11:111,871,456, G>A on the plus strand (C>T on the coding strand, the complement: ALG9 is on the minus strand). VCF-style: chr11-111871456-G-A. GRCh37 (hg19) VCF-style: chr11-111742180-G-A.
Other names: c.27C>T, p.Arg9= (NM_001077690.1, NM_001352417.1, NM_001352418.1); c.-348C>T (NM_001352409.1); c.-491C>T (NM_001352410.1, NM_001352413.1).
Identifiers: ClinVar variation 2079546 (VCV002079546.5), dbSNP rs1555159045, ClinGen allele CA2000460648.